The following is an entry in ClinVar:

NM_005422.4(TECTA):c.3215G>T (p.Cys1072Phe)

Genes: TBCEL-TECTA (TBCEL-TECTA readthrough; plus strand), TECTA (tectorin alpha; plus strand). Cytogenetic location: 11q23.3.
Variant type: single nucleotide variant.
Coding change: c.3215G>T on transcript NM_005422.4 (MANE Select); coding-DNA position 3215, G replaced by T.
Protein change: p.Cys1072Phe; replaces cysteine 1072 with phenylalanine.
Molecular consequence: missense variant.
Genome position (GRCh38, 1-based): chr11:121,137,694, G>T. VCF-style: chr11-121137694-G-T. GRCh37 (hg19) VCF-style: chr11-121008403-G-T.
Other names: c.4172G>T, p.Cys1391Phe (NM_001378761.1); short protein forms C1072F, C1391F.
Identifiers: ClinVar variation 4857389 (VCV004857389.1).
Genomic context (GRCh38, chr11:121,137,694, plus strand): 5'-GGGTGGACCTGGACTGCCAGATCTTCTGCTATTGCAGTGGCACAGACAACAGGGTCCACT[G>T]CGAGACCATTCCCTGCAAGGATGATGAGTACTGCATGGAGGAAGGTGGCCTGTACTACTG-3'
Protein context (NP_005413.2, residues 1062-1082): YCSGTDNRVH[Cys1072Phe]ETIPCKDDEY

ClinVar aggregate classification (germline): Uncertain significance (1 of 4 stars; one submission).

Conditions:
Autosomal dominant nonsyndromic hearing loss 12. Also called: DEAFNESS, AUTOSOMAL DOMINANT 8. Identifiers: Orphanet 90635, MedGen C1832187, MONDO:0011102, OMIM 601543.

Submission:

Precision Medicine Center, Zhengzhou University
Classification: Uncertain significance for Autosomal dominant nonsyndromic hearing loss 12. Last evaluated: 2006-06-30. Review status: criteria provided, single submitter. Criteria: ClinGen HL ACMG Specifications v1. Collection method: clinical testing. Allele origin: de novo. Affected: yes.
Comment: PM2+PP3:The TECTA c.3215G>T variant is absent or extremely rare in population databases, including gnomAD, supporting its rarity in the general population (PM2). Multiple in silico prediction tools suggest that this missense variant may have a deleterious effect on TECTA protein function (PP3); however, computational evidence alone is not sufficient to establish pathogenicity. No functional studies, segregation data, de novo occurrence, or multiple independent affected individuals have been reported for this variant. Therefore, there is currently insufficient evidence to support a pathogenic role, and it is classified as a Variant of Uncertain Significance (VUS).